The following is an entry in ClinVar:

NM_018127.7(ELAC2):c.1436A>G (p.Gln479Arg)

Gene: ELAC2 (elaC ribonuclease Z 2; minus strand). Cytogenetic location: 17p12.
Variant type: single nucleotide variant.
Coding change: c.1436A>G on transcript NM_018127.7 (MANE Select); coding-DNA position 1436, A replaced by G.
Protein change: p.Gln479Arg; replaces glutamine 479 with arginine.
Molecular consequence: missense variant.
Genome position (GRCh38, 1-based): chr17:12,998,496, T>C on the plus strand (A>G on the coding strand, the complement: ELAC2 is on the minus strand). VCF-style: chr17-12998496-T-C. GRCh37 (hg19) VCF-style: chr17-12901813-T-C.
Other names: c.1316A>G, p.Gln439Arg (NM_001165962.2); c.1433A>G, p.Gln478Arg (NM_173717.2); short protein forms Q439R, Q479R, Q478R.
Identifiers: ClinVar variation 1371000 (VCV001371000.6), dbSNP rs1165336639, ClinGen allele CA398224772.

ClinVar aggregate classification (germline): Uncertain significance (1 of 4 stars; one submission).

Conditions:
Combined oxidative phosphorylation defect type 17. Also called: Combined oxidative phosphorylation deficiency 17. Identifiers: Orphanet 369913, MedGen C3809526, MONDO:0014190, OMIM 615440.

Allele frequency attached by ClinVar (database versions not stated): TOPMed below 0.00001; gnomAD 0.00001; gnomAD exomes 0.00001.

Submission:

Labcorp Genetics (formerly Invitae), Labcorp
Classification: Uncertain significance for Combined oxidative phosphorylation defect type 17. Last evaluated: 2022-05-18. Review status: criteria provided, single submitter. Criteria: Invitae Variant Classification Sherloc (09022015). Collection method: clinical testing. Allele origin: germline.
Comment: This sequence change replaces glutamine, which is neutral and polar, with arginine, which is basic and polar, at codon 479 of the ELAC2 protein (p.Gln479Arg). This variant is present in population databases (no rsID available, gnomAD 0.002%). This variant has not been reported in the literature in individuals affected with ELAC2-related conditions. Algorithms developed to predict the effect of missense changes on protein structure and function output the following: SIFT: "Tolerated"; PolyPhen-2: "Benign"; Align-GVGD: "Class C0". The arginine amino acid residue is found in multiple mammalian species, which suggests that this missense change does not adversely affect protein function. In summary, the available evidence is currently insufficient to determine the role of this variant in disease. Therefore, it has been classified as a Variant of Uncertain Significance.